The following is an entry in ClinVar:

NM_000492.4(CFTR):c.-234T>A

Genes: CFTR (CF transmembrane conductance regulator; plus strand), LOC111674463 (CFTR promoter region; plus strand). Cytogenetic location: 7q31.2.
Variant type: single nucleotide variant.
Coding change: c.-234T>A on transcript NM_000492.4 (MANE Select); 234 bases upstream of the start codon, T replaced by A.
Genome position (GRCh38, 1-based): chr7:117,479,861, T>A. VCF-style: chr7-117479861-T-A. GRCh37 (hg19) VCF-style: chr7-117119915-T-A.
Identifiers: ClinVar variation 1132414 (VCV001132414.13), dbSNP rs982968807, ClinGen allele CA164948632.

ClinVar aggregate classification (germline): Conflicting classifications of pathogenicity. Review status: criteria provided, conflicting classifications (1 of 4 stars). 3 submissions from 3 submitters: Uncertain significance (1); Likely benign (1). 1 of the submissions does not count toward it. Last evaluated 2024-04-24.

Conditions:
CFTR-related disorder (CFTR-RD). Also called: CFTR-related condition; CFTR-related disorders. Identifiers: MedGen C5924204, MONDO:7770004.
Cystic fibrosis (CF). Also called: MUCOVISCIDOSIS. Identifiers: Orphanet 586, MedGen C0010674, MONDO:0009061, OMIM 219700. Disease mechanism: loss of function.

Submissions (3):

Women's Health and Genetics/Laboratory Corporation of America, LabCorp
Classification: Uncertain significance. Last evaluated: 2024-04-24. Review status: criteria provided, single submitter. Criteria: LabCorp Variant Classification Summary - May 2015. Collection method: clinical testing. Allele origin: germline.
Comment: Variant summary: CFTR c.-234T>A is located in the untranscribed region upstream of the CFTR gene region. The frequency of this variant in the general population could not be determined as the technology used for large population databases (ExAC, gnomAD, ESP, 1000G) cannot detect variants of this type. The available data on variant occurrences in the general population are insufficient to allow any conclusion about variant significance. c.-234T>A (legacy name c.-102T>A) has been reported in the literature as a complex allele with the p.S549R variant in compound heterozygous or homozygous individuals affected with Cystic Fibrosis (e.g. Ramos_2014, Romey_1999), or in a CF individual carrying two additional variants, including p.S549N, with phase not reported (e.g. Cordovado_2012). Homozygous and compound heterozygous individuals carrying the complex allele c.-234T>A + p.S549R were reported to have a milder CF phenotype than individuals homozygous for the p.S549R variant alone (e.g. Romey_1999). To our knowledge, c.-234T>A has not been reported as single-variant allele in individuals affected with Cystic Fibrosis. These reports do not provide unequivocal conclusions about association of the variant with Cystic Fibrosis. At least one publication reports experimental evidence evaluating an impact on protein function, showing the variant results in significantly increased CFTR protein expression in vitro through recruitment of additional transcription factor(s) (e.g. Romey_2000). The following publications have been ascertained in the context of this evaluation (PMID: 22137130, 23837941, 16170155, 10480369, 10652351). ClinVar contains an entry for this variant (Variation ID: 1132414). Based on the evidence outlined above, the variant was classified as uncertain significance.

Labcorp Genetics (formerly Invitae), Labcorp
Classification: Likely benign for Cystic fibrosis. Last evaluated: 2022-09-10. Review status: criteria provided, single submitter. Criteria: Invitae Variant Classification Sherloc (09022015). Collection method: clinical testing. Allele origin: germline.

PreventionGenetics, part of Exact Sciences
Classification: Uncertain significance for CFTR-related condition. Last evaluated: 2023-12-19. Review status: no assertion criteria provided. Collection method: clinical testing. Allele origin: germline. Not counted in ClinVar's aggregate classification.
Comment: The CFTR c.-234T>A variant is located in the 5' untranslated region. This variant has been reported as part of a complex allele combining the c.-234T>A and the c.1647T>G (p.Ser549Arg) variants. The complex allele was found homozygous, or compound heterozygous with a pathogenic variant, in six patients with cystic fibrosis. An analysis of the phenotype severity suggested that patients carrying the complex allele had a milder phenotype compared with patients who were homozygous for the p.Ser549Arg variant (Romey et al. 1999. PubMed ID: 10480369). This variant has not been reported in a large population database, indicating this variant is rare. At this time, the clinical significance of this variant is uncertain due to the absence of conclusive functional and genetic evidence.

Literature cited by the submitters: PubMed 22137130 (cited by Women's Health and Genetics/Laboratory Corporation of America, LabCorp); PubMed 10652351 (cited by Women's Health and Genetics/Laboratory Corporation of America, LabCorp); PubMed 23837941 (cited by Women's Health and Genetics/Laboratory Corporation of America, LabCorp); PubMed 16170155 (cited by Women's Health and Genetics/Laboratory Corporation of America, LabCorp); PubMed 10480369 (cited by Women's Health and Genetics/Laboratory Corporation of America, LabCorp).